The following is an entry in ClinVar:

NM_015650.4(TRAF3IP1):c.376C>T (p.Arg126Trp)

Gene: TRAF3IP1 (TRAF3 interacting protein 1; plus strand). Cytogenetic location: 2q37.3.
Variant type: single nucleotide variant.
Coding change: c.376C>T on transcript NM_015650.4 (MANE Select); coding-DNA position 376, C replaced by T.
Protein change: p.Arg126Trp; replaces arginine 126 with tryptophan.
Molecular consequence: missense variant.
Genome position (GRCh38, 1-based): chr2:238,328,707, C>T. VCF-style: chr2-238328707-C-T. GRCh37 (hg19) VCF-style: chr2-239237348-C-T.
Other names: c.376C>T, p.Arg126Trp (NM_001139490.1); short protein forms R126W.
Identifiers: ClinVar variation 972136 (VCV000972136.11), dbSNP rs372959878, ClinGen allele CA2198046.

ClinVar aggregate classification (germline): Uncertain significance. Review status: criteria provided, multiple submitters, no conflicts (2 of 4 stars). 2 submissions from 2 submitters: Uncertain significance (2). Last evaluated 2025-11-03.

Conditions:
Inborn genetic diseases. Identifiers: MedGen C0950123, MeSH D030342.

Allele frequency attached by ClinVar (database versions not stated): ExAC 0.00005; ESP Exome Variant Server 0.00023; gnomAD exomes 0.00004; TOPMed 0.00007; gnomAD 0.00010.
gnomAD v4.1: 144 of 1,613,616 alleles (0.0089%); highest among the groups gnomAD compares: Non-Finnish European, 0.011%; no homozygotes.

Submissions (2):

Ambry Genetics
Classification: Uncertain significance for Inborn genetic diseases. Last evaluated: 2025-11-03. Review status: criteria provided, single submitter. Criteria: Ambry Variant Classification Scheme 2023. Collection method: clinical testing. Allele origin: germline.

Labcorp Genetics (formerly Invitae), Labcorp
Classification: Uncertain significance. Last evaluated: 2022-11-22. Review status: criteria provided, single submitter. Criteria: Invitae Variant Classification Sherloc (09022015). Collection method: clinical testing. Allele origin: germline.
Comment: In summary, the available evidence is currently insufficient to determine the role of this variant in disease. Therefore, it has been classified as a Variant of Uncertain Significance. Advanced modeling of protein sequence and biophysical properties (such as structural, functional, and spatial information, amino acid conservation, physicochemical variation, residue mobility, and thermodynamic stability) performed at Invitae indicates that this missense variant is not expected to disrupt TRAF3IP1 protein function. ClinVar contains an entry for this variant (Variation ID: 972136). This variant has not been reported in the literature in individuals affected with TRAF3IP1-related conditions. This variant is present in population databases (rs372959878, gnomAD 0.009%). This sequence change replaces arginine, which is basic and polar, with tryptophan, which is neutral and slightly polar, at codon 126 of the TRAF3IP1 protein (p.Arg126Trp).